The following is an entry in ClinVar:

ClinVar aggregate classification (germline): Uncertain significance. Review status: criteria provided, multiple submitters, no conflicts (2 of 4 stars). 2 submissions from 2 submitters: Uncertain significance (2). Last evaluated 2023-02-16.

Allele frequency attached by ClinVar (database versions not stated): gnomAD exomes 0.00001.
gnomAD v4.1: 10 of 1,613,652 alleles (0.00062%); highest among the groups gnomAD compares: Admixed American, 0.0033%; no homozygotes.

Submissions (2):

Ambry Genetics
Classification: Uncertain significance. Last evaluated: 2023-02-16. Review status: criteria provided, single submitter. Criteria: Ambry Variant Classification Scheme 2023. Collection method: clinical testing. Allele origin: germline.

Labcorp Genetics (formerly Invitae), Labcorp
Classification: Uncertain significance. Last evaluated: 2022-10-17. Review status: criteria provided, single submitter. Criteria: Invitae Variant Classification Sherloc (09022015). Collection method: clinical testing. Allele origin: germline.
Comment: In summary, the available evidence is currently insufficient to determine the role of this variant in disease. Therefore, it has been classified as a Variant of Uncertain Significance. Algorithms developed to predict the effect of missense changes on protein structure and function are either unavailable or do not agree on the potential impact of this missense change (SIFT: "Deleterious"; PolyPhen-2: "Probably Damaging"; Align-GVGD: "Class C0"). ClinVar contains an entry for this variant (Variation ID: 1398253). This variant has not been reported in the literature in individuals affected with DSCAML1-related conditions. This variant is present in population databases (no rsID available, gnomAD 0.006%). This sequence change replaces valine, which is neutral and non-polar, with methionine, which is neutral and non-polar, at codon 1521 of the DSCAML1 protein (p.Val1521Met).

NM_020693.4(DSCAML1):c.4381G>A (p.Val1461Met)

Gene: DSCAML1 (DS cell adhesion molecule like 1; minus strand). Cytogenetic location: 11q23.3.
Variant type: single nucleotide variant.
Coding change: c.4381G>A on transcript NM_020693.4 (MANE Select); coding-DNA position 4381, G replaced by A.
Protein change: p.Val1461Met; replaces valine 1461 with methionine.
Molecular consequence: missense variant.
Genome position (GRCh38, 1-based): chr11:117,437,946, C>T on the plus strand (G>A on the coding strand, the complement: DSCAML1 is on the minus strand). VCF-style: chr11-117437946-C-T. GRCh37 (hg19) VCF-style: chr11-117308662-C-T.
Other names: c.4561G>A (NM_020693.2); short protein forms V1461M.
Identifiers: ClinVar variation 1398253 (VCV001398253.7), dbSNP rs1440697653, ClinGen allele CA382759571.